The following is an entry in ClinVar:

NM_001382430.1(AKT1):c.1245C>G (p.His415Gln)

Gene: AKT1 (AKT serine/threonine kinase 1; minus strand). Cytogenetic location: 14q32.33.
Variant type: single nucleotide variant.
Coding change: c.1245C>G on transcript NM_001382430.1 (MANE Select); coding-DNA position 1245, C replaced by G.
Protein change: p.His415Gln; replaces histidine 415 with glutamine.
Molecular consequence: missense variant.
Genome position (GRCh38, 1-based): chr14:104,772,380, G>C on the plus strand (C>G on the coding strand, the complement: AKT1 is on the minus strand). VCF-style: chr14-104772380-G-C. GRCh37 (hg19) VCF-style: chr14-105238717-G-C.
Other names: c.1245C>G, p.His415Gln (NM_001014431.2, NM_001014432.2, NM_001382431.1 and 3 more transcripts); short protein forms H415Q.
Identifiers: ClinVar variation 1409974 (VCV001409974.10), dbSNP rs758476416, ClinGen allele CA391216111.

ClinVar aggregate classification (germline): Uncertain significance. Review status: criteria provided, multiple submitters, no conflicts (2 of 4 stars). 2 submissions from 2 submitters: Uncertain significance (2). Last evaluated 2023-08-03.

Conditions:
Cowden syndrome 6 (CWS6). Identifiers: Orphanet 201, MedGen C3554519, MONDO:0014048, OMIM 615109.
Inborn genetic diseases. Identifiers: MedGen C0950123, MeSH D030342.

gnomAD v4.1: 1 of 1,613,858 alleles (0.000062%); highest among the groups gnomAD compares: East Asian, 0.0022%; no homozygotes.

Submissions (2):

Ambry Genetics
Classification: Uncertain significance for Inborn genetic diseases. Last evaluated: 2023-08-03. Review status: criteria provided, single submitter. Criteria: Ambry Variant Classification Scheme 2023. Collection method: clinical testing. Allele origin: germline.
Comment: The p.H415Q variant (also known as c.1245C>G), located in coding exon 11 of the AKT1 gene, results from a C to G substitution at nucleotide position 1245. The histidine at codon 415 is replaced by glutamine, an amino acid with highly similar properties. This amino acid position is conserved. In addition, this alteration is predicted to be tolerated by in silico analysis. Since supporting evidence is limited at this time, the clinical significance of this alteration remains unclear.

Labcorp Genetics (formerly Invitae), Labcorp
Classification: Uncertain significance for Cowden syndrome 6. Last evaluated: 2021-05-31. Review status: criteria provided, single submitter. Criteria: Invitae Variant Classification Sherloc (09022015). Collection method: clinical testing. Allele origin: germline.
Comment: This variant has not been reported in the literature in individuals with AKT1-related conditions. This variant is not present in population databases (ExAC no frequency). This sequence change replaces histidine with glutamine at codon 415 of the AKT1 protein (p.His415Gln). The histidine residue is weakly conserved and there is a small physicochemical difference between histidine and glutamine. Algorithms developed to predict the effect of missense changes on protein structure and function (SIFT, PolyPhen-2, Align-GVGD) all suggest that this variant is likely to be tolerated, but these predictions have not been confirmed by published functional studies and their clinical significance is uncertain. In summary, the available evidence is currently insufficient to determine the role of this variant in disease. Therefore, it has been classified as a Variant of Uncertain Significance. Algorithms developed to predict the effect of sequence changes on RNA splicing suggest that this variant may create or strengthen a splice site, but this prediction has not been confirmed by published transcriptional studies.